The following is an entry in ClinVar:

ClinVar aggregate classification (germline): Uncertain significance (1 of 4 stars; one submission).

Conditions:
Bloom syndrome (BLM). Also called: Bloom-Torre-Machacek syndrome. Identifiers: Orphanet 125, MedGen C0005859, MONDO:0008876, OMIM 210900.

Submission:

Labcorp Genetics (formerly Invitae), Labcorp
Classification: Uncertain significance for Bloom syndrome. Last evaluated: 2025-08-11. Review status: criteria provided, single submitter. Criteria: Invitae Variant Classification Sherloc (09022015). Collection method: clinical testing. Allele origin: germline.
Comment: This sequence change replaces aspartic acid, which is acidic and polar, with valine, which is neutral and non-polar, at codon 1156 of the BLM protein (p.Asp1156Val). This variant is not present in population databases (gnomAD no frequency). This variant has not been reported in the literature in individuals affected with BLM-related conditions. ClinVar contains an entry for this variant (Variation ID: 1492453). Invitae Evidence Modeling of protein sequence and biophysical properties (such as structural, functional, and spatial information, amino acid conservation, physicochemical variation, residue mobility, and thermodynamic stability) indicates that this missense variant is not expected to disrupt BLM protein function with a negative predictive value of 80%. In summary, the available evidence is currently insufficient to determine the role of this variant in disease. Therefore, it has been classified as a Variant of Uncertain Significance.

NM_000057.4(BLM):c.3467A>T (p.Asp1156Val)

Gene: BLM (BLM RecQ like helicase; plus strand). Cytogenetic location: 15q26.1.
Variant type: single nucleotide variant.
Coding change: c.3467A>T on transcript NM_000057.4 (MANE Select); coding-DNA position 3467, A replaced by T.
Protein change: p.Asp1156Val; replaces aspartic acid 1156 with valine.
Molecular consequence: missense variant. On other transcripts: intron variant (1).
Genome position (GRCh38, 1-based): chr15:90,803,629, A>T. VCF-style: chr15-90803629-A-T. GRCh37 (hg19) VCF-style: chr15-91346859-A-T.
Other names: c.3467A>T, p.Asp1156Val (NM_001287246.2); c.2342A>T, p.Asp781Val (NM_001287248.2); c.3358+5292A>T (NM_001287247.2); short protein forms D781V, D1156V.
Identifiers: ClinVar variation 1492453 (VCV001492453.8), dbSNP rs2151194299, ClinGen allele CA393847661.